The following is an entry in ClinVar:

ClinVar aggregate classification (germline): Conflicting classifications of pathogenicity. Review status: criteria provided, conflicting classifications (1 of 4 stars). 5 submissions from 5 submitters: Uncertain significance (4); Likely benign (1). Last evaluated 2026-02-10.

Conditions:
PALB2-related cancer predisposition. Identifiers: MedGen CN377761, MONDO:0700272.
Hereditary cancer-predisposing syndrome. Also called: Tumor predisposition; Hereditary Cancer Syndrome; Hereditary neoplastic syndrome; Neoplastic Syndromes, Hereditary. Identifiers: Orphanet 140162, MedGen C0027672, MeSH D009386, MONDO:0015356.
Familial cancer of breast. Also called: Hereditary breast cancer; hereditary breast carcinoma; BREAST CANCER, FAMILIAL. Identifiers: Orphanet 227535, MedGen C0346153, MONDO:0016419, OMIM 114480. Disease mechanism: loss of function.

Allele frequency attached by ClinVar (database versions not stated): gnomAD 0.00001; ExAC 0.00002; TOPMed 0.00001; gnomAD exomes 0.00001.
gnomAD v4.1: 4 of 1,613,984 alleles (0.00025%); highest among the groups gnomAD compares: Admixed American, 0.005%; no homozygotes.

Submissions (5):

Hema, HEMA – Genetic and Molecular Diagnostic Laboratory
Classification: Uncertain significance for PALB2-related cancer predisposition. Last evaluated: 2026-02-10. Review status: criteria provided, single submitter. Criteria: HEMA Variant Classification Assertion Criteria. Collection method: clinical testing. Allele origin: germline.
Comment: The c.1772C>A p.(Pro591Gln) variant is a transversion from guanine to thymine that results in the substitution of proline 591 with glutamine. BP1: It is a missense variant in a gene in which pathogenic variants are primarily truncating.

Labcorp Genetics (formerly Invitae), Labcorp
Classification: Uncertain significance for Familial cancer of breast. Last evaluated: 2025-11-27. Review status: criteria provided, single submitter. Criteria: Invitae Variant Classification Sherloc (09022015). Collection method: clinical testing. Allele origin: germline.
Comment: This sequence change replaces proline, which is neutral and non-polar, with glutamine, which is neutral and polar, at codon 591 of the PALB2 protein (p.Pro591Gln). This variant is present in population databases (rs761773470, gnomAD 0.003%). This variant has not been reported in the literature in individuals affected with PALB2-related conditions. ClinVar contains an entry for this variant (Variation ID: 490071). Invitae Evidence Modeling of protein sequence and biophysical properties (such as structural, functional, and spatial information, amino acid conservation, physicochemical variation, residue mobility, and thermodynamic stability) has been performed for this missense variant. However, the output from this modeling did not meet the statistical confidence thresholds required to predict the impact of this variant on PALB2 protein function. In summary, the available evidence is currently insufficient to determine the role of this variant in disease. Therefore, it has been classified as a Variant of Uncertain Significance.

Ambry Genetics
Classification: Likely benign for Hereditary cancer-predisposing syndrome. Last evaluated: 2023-12-11. Review status: criteria provided, single submitter. Criteria: Ambry Variant Classification Scheme 2023. Collection method: clinical testing. Allele origin: germline.

Color Diagnostics, LLC DBA Color Health
Classification: Uncertain significance for Hereditary cancer-predisposing syndrome. Last evaluated: 2023-10-18. Review status: criteria provided, single submitter. Criteria: ACMG Guidelines, 2015. Collection method: clinical testing. Allele origin: germline.
Comment: This missense variant replaces proline with glutamine at codon 591 of the PALB2 protein. Computational prediction suggests that this variant may not impact protein structure and function (internally defined REVEL score threshold <= 0.5, PMID: 27666373). To our knowledge, functional studies have not been performed for this variant. This variant has not been reported in individuals affected with hereditary cancer in the literature. This variant has been identified in 2/251056 chromosomes in the general population by the Genome Aggregation Database (gnomAD). The available evidence is insufficient to determine the role of this variant in disease conclusively. Therefore, this variant is classified as a Variant of Uncertain Significance.

Division of Medical Genetics, University of Washington
Classification: Uncertain significance for Familial cancer of breast. Last evaluated: 2019-12-21. Review status: criteria provided, single submitter. Criteria: ACMG Guidelines, 2015. Collection method: clinical testing. Allele origin: germline. Affected: no. Study: CSER_CHARM.
Comment: To our knowledge, this sequence variant has not been previously reported in the literature. This variant has an allele frequency of 0.000008 in the Broad Institute gnomAD Browser. In silico analyses indicate that this variant does not alter protein structure/function. At this time, it is unknown at this time whether or not this variant increases cancer risk; therefore, we interpret it as a variant of uncertain significance. PM2; BP4

NM_024675.4(PALB2):c.1772C>A (p.Pro591Gln)

Gene: PALB2 (partner and localizer of BRCA2; minus strand). Cytogenetic location: 16p12.2.
Variant type: single nucleotide variant.
Coding change: c.1772C>A on transcript NM_024675.4 (MANE Select); coding-DNA position 1772, C replaced by A.
Protein change: p.Pro591Gln; replaces proline 591 with glutamine.
Molecular consequence: missense variant.
Genome position (GRCh38, 1-based): chr16:23,630,382, G>T on the plus strand (C>A on the coding strand, the complement: PALB2 is on the minus strand). VCF-style: chr16-23630382-G-T. GRCh37 (hg19) VCF-style: chr16-23641703-G-T.
Other names: short protein forms P591Q.
Identifiers: ClinVar variation 490071 (VCV000490071.17), dbSNP rs761773470, ClinGen allele CA7963662.